The following is an entry in ClinVar:

ClinVar aggregate classification (germline): Uncertain significance (1 of 4 stars; one submission).

Submission:

GeneDx
Classification: Uncertain significance. Last evaluated: 2023-08-03. Review status: criteria provided, single submitter. Criteria: GeneDx Variant Classification Process June 2021. Collection method: clinical testing. Allele origin: germline. Affected: yes.
Comment: In silico analysis supports that this missense variant has a deleterious effect on protein structure/function; Has not been previously published as pathogenic or benign to our knowledge

NM_015656.2(KIF26A):c.4649G>A (p.Arg1550Gln)

Gene: KIF26A (kinesin family member 26A; plus strand). Cytogenetic location: 14q32.33.
Variant type: single nucleotide variant.
Coding change: c.4649G>A on transcript NM_015656.2 (MANE Select); coding-DNA position 4649, G replaced by A.
Protein change: p.Arg1550Gln; replaces arginine 1550 with glutamine.
Molecular consequence: missense variant.
Genome position (GRCh38, 1-based): chr14:104,177,437, G>A. VCF-style: chr14-104177437-G-A. GRCh37 (hg19) VCF-style: chr14-104643774-G-A.
Other names: short protein forms R1550Q.
Identifiers: ClinVar variation 3361743 (VCV003361743.1).